The following is an entry in ClinVar:

ClinVar aggregate classification (germline): Uncertain significance (1 of 4 stars; one submission).

Allele frequency attached by ClinVar (database versions not stated): gnomAD exomes 0.00001; TOPMed 0.00001.
gnomAD v4.1: 14 of 1,612,872 alleles (0.00087%); highest among the groups gnomAD compares: Non-Finnish European, 0.00051%; no homozygotes.

Submission:

Labcorp Genetics (formerly Invitae), Labcorp
Classification: Uncertain significance. Last evaluated: 2024-05-27. Review status: criteria provided, single submitter. Criteria: Invitae Variant Classification Sherloc (09022015). Collection method: clinical testing. Allele origin: germline.
Comment: This sequence change replaces valine, which is neutral and non-polar, with alanine, which is neutral and non-polar, at codon 328 of the PLOD3 protein (p.Val328Ala). This variant is not present in population databases (gnomAD no frequency). This variant has not been reported in the literature in individuals affected with PLOD3-related conditions. ClinVar contains an entry for this variant (Variation ID: 1525137). An algorithm developed to predict the effect of missense changes on protein structure and function (PolyPhen-2) suggests that this variant is likely to be tolerated. In summary, the available evidence is currently insufficient to determine the role of this variant in disease. Therefore, it has been classified as a Variant of Uncertain Significance.

NM_001084.5(PLOD3):c.983T>C (p.Val328Ala)

Gene: PLOD3 (procollagen-lysine,2-oxoglutarate 5-dioxygenase 3; minus strand). Cytogenetic location: 7q22.1.
Variant type: single nucleotide variant.
Coding change: c.983T>C on transcript NM_001084.5 (MANE Select); coding-DNA position 983, T replaced by C.
Protein change: p.Val328Ala; replaces valine 328 with alanine.
Molecular consequence: missense variant.
Genome position (GRCh38, 1-based): chr7:101,212,552, A>G on the plus strand (T>C on the coding strand, the complement: PLOD3 is on the minus strand). VCF-style: chr7-101212552-A-G. GRCh37 (hg19) VCF-style: chr7-100855833-A-G.
Other names: short protein forms V328A.
Identifiers: ClinVar variation 1525137 (VCV001525137.8), dbSNP rs973118117, ClinGen allele CA163351137.